The following is an entry in ClinVar:

ClinVar aggregate classification (germline): Pathogenic/Likely pathogenic. Review status: criteria provided, multiple submitters, no conflicts (2 of 4 stars). 2 submissions from 2 submitters: Pathogenic (1); Likely pathogenic (1). Last evaluated 2025-12-19.

Conditions:
Usher syndrome type 1F (USH1F). Also called: USHER SYNDROME, TYPE IF. Identifiers: Orphanet 231169, Orphanet 886, MedGen C1865885, MONDO:0011186, OMIM 602083.
PCDH15-related disorder. Also called: PCDH15-related condition; PCDH15-related disorders.

Submissions (2):

Natera, Inc.
Classification: Pathogenic for Usher syndrome type 1F. Last evaluated: 2025-12-19. Review status: criteria provided, single submitter. Criteria: Natera Variant Classification Schema (03/2026). Collection method: clinical testing. Allele origin: germline.
Comment: The c.1997+1del variant in PCDH15 is a canonical splice donor site variant predicted to affect pre-mRNA splicing, which may result in an abnormal transcript and altered protein product. This variant is expected to result in nonsense mediated decay, truncation, or a dysfunctional protein product. This variant is rare in the general population with a frequency below the threshold expected for the associated phenotype(s). Another variant at this same site results in an alteration predicted to cause a similar molecular effect has been observed in individual(s) with the associated phenotype. Given the available evidence, this variant is classified as Pathogenic.

Blueprint Genetics
Classification: Likely pathogenic for PCDH15-related disorders. Last evaluated: 2020-10-23. Review status: criteria provided, single submitter. Criteria: ACMG Guidelines, 2015. Collection method: clinical testing. Allele origin: germline. Affected: yes. Observed: 1 variant allele.

NM_001384140.1(PCDH15):c.1997+1del

Gene: PCDH15 (protocadherin related 15; minus strand). Cytogenetic location: 10q21.1.
Variant type: Deletion.
Coding change: c.1997+1del on transcript NM_001384140.1 (MANE Select); the canonical splice donor site of the intron after coding-DNA position 1997, one base deleted (G; older notation c.1997+1delG).
Molecular consequence: splice donor variant. On other transcripts: intron variant (1).
Genome position (GRCh38, 1-based): chr10:54,089,983, C deleted on the plus strand (G on the coding strand, the reverse complement: PCDH15 is on the minus strand). VCF-style (leftmost placement, unchanged base first): chr10-54089982-AC-A. GRCh37 (hg19) VCF-style: chr10-55849742-AC-A.
Other names: c.1931+1del (NM_001142768.2, NM_001354404.2, NM_001142773.2); c.1886+1del (NM_001142767.2); c.1785-10559del (NM_001142765.2); c.1997+1del (NM_001142766.2, NM_033056.4, NM_001142764.2 and 5 more transcripts); c.2012+1del (NM_001142763.2, NM_001142771.2); c.2033+1del (NM_001142769.3); c.2018+1del (NM_001354411.2).
Identifiers: ClinVar variation 4816361 (VCV004816361.2).